The following is an entry in ClinVar:

ClinVar aggregate classification (germline): Uncertain significance (1 of 4 stars; one submission).

Conditions:
Deficiency of isobutyryl-CoA dehydrogenase. Also called: ACAD8 DEFICIENCY; ACYL-CoA DEHYDROGENASE FAMILY, MEMBER 8, DEFICIENCY OF; IBD DEFICIENCY. Identifiers: Orphanet 79159, MedGen C1969809, MONDO:0012648, OMIM 611283.

Submission:

Labcorp Genetics (formerly Invitae), Labcorp
Classification: Uncertain significance for Deficiency of isobutyryl-CoA dehydrogenase. Last evaluated: 2022-08-08. Review status: criteria provided, single submitter. Criteria: Invitae Variant Classification Sherloc (09022015). Collection method: clinical testing. Allele origin: germline.
Comment: This variant has not been reported in the literature in individuals affected with ACAD8-related conditions. Advanced modeling of protein sequence and biophysical properties (such as structural, functional, and spatial information, amino acid conservation, physicochemical variation, residue mobility, and thermodynamic stability) performed at Invitae indicates that this missense variant is expected to disrupt ACAD8 protein function. In summary, the available evidence is currently insufficient to determine the role of this variant in disease. Therefore, it has been classified as a Variant of Uncertain Significance. This variant is not present in population databases (gnomAD no frequency). This sequence change replaces alanine, which is neutral and non-polar, with proline, which is neutral and non-polar, at codon 290 of the ACAD8 protein (p.Ala290Pro).

NM_014384.3(ACAD8):c.868G>C (p.Ala290Pro)

Gene: ACAD8 (acyl-CoA dehydrogenase family member 8; plus strand). Cytogenetic location: 11q25.
Variant type: single nucleotide variant.
Coding change: c.868G>C on transcript NM_014384.3 (MANE Select); coding-DNA position 868, G replaced by C.
Protein change: p.Ala290Pro; replaces alanine 290 with proline.
Molecular consequence: missense variant.
Genome position (GRCh38, 1-based): chr11:134,261,301, G>C. VCF-style: chr11-134261301-G-C. GRCh37 (hg19) VCF-style: chr11-134131195-G-C.
Other names: short protein forms A290P.
Identifiers: ClinVar variation 1715728 (VCV001715728.6), dbSNP rs144566960, ClinGen allele CA383516990.